The following is an entry in ClinVar:

ClinVar aggregate classification (germline): Uncertain significance. Review status: criteria provided, multiple submitters, no conflicts (2 of 4 stars). 3 submissions from 3 submitters: Uncertain significance (3). Last evaluated 2024-04-15.

Conditions:
Hereditary pheochromocytoma and paraganglioma. Also called: Hereditary pheochromocytoma-paraganglioma; Hereditary Paraganglioma-Pheochromocytoma Syndromes; Hereditary paragangliomas and pheochromocytomas. Identifiers: Orphanet 29072, MedGen C4274332, MONDO:0017366.
Pheochromocytoma. Also called: MAX-Related Hereditary Paraganglioma-Pheochromocytoma Syndrome. Identifiers: Orphanet 29072, MedGen C0031511, MONDO:0008233, OMIM 171300, HP:0002666.
Hereditary cancer-predisposing syndrome. Also called: Hereditary neoplastic syndrome; Hereditary Cancer Syndrome; Tumor predisposition; Neoplastic Syndromes, Hereditary. Identifiers: Orphanet 140162, MedGen C0027672, MeSH D009386, MONDO:0015356.

Submissions (3):

Ambry Genetics
Classification: Uncertain significance for Hereditary cancer-predisposing syndrome. Last evaluated: 2024-04-15. Review status: criteria provided, single submitter. Criteria: Ambry Variant Classification Scheme 2023. Collection method: clinical testing. Allele origin: germline.
Comment: The p.E225G variant (also known as c.674A>G), located in coding exon 3 of the TMEM127 gene, results from an A to G substitution at nucleotide position 674. The glutamic acid at codon 225 is replaced by glycine, an amino acid with similar properties. This amino acid position is conserved. In addition, the in silico prediction for this alteration is inconclusive. Based on the available evidence, the clinical significance of this variant remains unclear.

Baylor Genetics
Classification: Uncertain significance for Pheochromocytoma. Last evaluated: 2023-10-17. Review status: criteria provided, single submitter. Criteria: ACMG Guidelines, 2015. Collection method: clinical testing. Allele origin: unknown.

Labcorp Genetics (formerly Invitae), Labcorp
Classification: Uncertain significance for Hereditary pheochromocytoma and paraganglioma. Last evaluated: 2019-10-03. Review status: criteria provided, single submitter. Criteria: Invitae Variant Classification Sherloc (09022015). Collection method: clinical testing. Allele origin: germline.
Comment: In summary, the available evidence is currently insufficient to determine the role of this variant in disease. Therefore, it has been classified as a Variant of Uncertain Significance. Algorithms developed to predict the effect of missense changes on protein structure and function are either unavailable or do not agree on the potential impact of this missense change (SIFT: "Deleterious"; PolyPhen-2: "Benign"; Align-GVGD: "Class C15"). This variant has not been reported in the literature in individuals with TMEM127-related conditions. This variant is not present in population databases (ExAC no frequency). This sequence change replaces glutamic acid with glycine at codon 225 of the TMEM127 protein (p.Glu225Gly). The glutamic acid residue is moderately conserved and there is a moderate physicochemical difference between glutamic acid and glycine.

NM_017849.4(TMEM127):c.674A>G (p.Glu225Gly)

Gene: TMEM127 (transmembrane protein 127; minus strand). Cytogenetic location: 2q11.2.
Variant type: single nucleotide variant.
Coding change: c.674A>G on transcript NM_017849.4 (MANE Select); coding-DNA position 674, A replaced by G.
Protein change: p.Glu225Gly; replaces glutamic acid 225 with glycine.
Molecular consequence: missense variant.
Genome position (GRCh38, 1-based): chr2:96,253,851, T>C on the plus strand (A>G on the coding strand, the complement: TMEM127 is on the minus strand). VCF-style: chr2-96253851-T-C. GRCh37 (hg19) VCF-style: chr2-96919589-T-C.
Other names: c.674A>G, p.Glu225Gly (NM_001193304.3); short protein forms E225G.
Identifiers: ClinVar variation 935490 (VCV000935490.11), dbSNP rs1684140913, ClinGen allele CA347651297.